The following is an entry in ClinVar:

ClinVar aggregate classification (germline): Benign. Review status: criteria provided, multiple submitters, no conflicts (2 of 4 stars). 6 submissions from 6 submitters: Benign (6). Last evaluated 2026-02-04.

Conditions:
Spermatogenic failure 18. Identifiers: MedGen C4539783, MONDO:0054615, OMIM 617576.
Ciliary dyskinesia, primary, 37 (CILD37). Also called: CILIARY DYSKINESIA, PRIMARY, 37, WITH OR WITHOUT SITUS INVERSUS. Identifiers: MedGen C4539798, MONDO:0033204, OMIM 617577.

Allele frequency attached by ClinVar (database versions not stated): 1000 Genomes Project 0.15296; 1000 Genomes Project 30x 0.15725; TOPMed 0.18638; ESP Exome Variant Server 0.18652.
gnomAD v4.1: 263,332 of 1,603,666 alleles (16%); highest among the groups gnomAD compares: African/African-American, 26%; 23,378 homozygotes.

Submissions (6):

Labcorp Genetics (formerly Invitae), Labcorp
Classification: Benign for Ciliary dyskinesia, primary, 37; Spermatogenic failure 18. Last evaluated: 2026-02-04. Review status: criteria provided, single submitter. Criteria: Invitae Variant Classification Sherloc (09022015). Collection method: clinical testing. Allele origin: germline.

Blueprint Genetics
Classification: Benign. Last evaluated: 2024-11-26. Review status: criteria provided, single submitter. Criteria: ACMG Guidelines, 2015. Collection method: clinical testing. Allele origin: germline.

Mayo Clinic Laboratories, Mayo Clinic
Classification: Benign. Last evaluated: 2022-04-26. Review status: criteria provided, single submitter. Criteria: ACMG Guidelines, 2015. Collection method: clinical testing. Allele origin: germline. Observed: 57 variant alleles.

GeneDx
Classification: Benign. Last evaluated: 2018-07-05. Review status: criteria provided, single submitter. Criteria: GeneDx Variant Classification Process June 2021. Collection method: clinical testing. Allele origin: germline. Affected: yes.

Laboratory for Molecular Medicine, Mass General Brigham Personalized Medicine
Classification: Benign. Last evaluated: 2016-03-29. Review status: criteria provided, single submitter. Criteria: LMM Criteria. Collection method: clinical testing. Allele origin: germline.
Comment: Variant identified in a genome or exome case(s) and assessed due to predicted null impact of the variant or pathogenic assertions in the literature or databases. Disclaimer: This variant has not undergone full assessment. The following are preliminary notes: Frequency

Breakthrough Genomics
Classification: Benign. Review status: criteria provided, single submitter. Criteria: ACMG Guidelines, 2015. Collection method: not provided. Allele origin: germline. Inheritance: Autosomal recessive inheritance. Affected: yes.

NM_015512.5(DNAH1):c.5611-9G>C

Gene: DNAH1 (dynein axonemal heavy chain 1; plus strand). Cytogenetic location: 3p21.1.
Variant type: single nucleotide variant.
Coding change: c.5611-9G>C on transcript NM_015512.5 (MANE Select); 9 bases into the intron before coding-DNA position 5611, G replaced by C.
Molecular consequence: intron variant.
Genome position (GRCh38, 1-based): chr3:52,366,724, G>C. VCF-style: chr3-52366724-G-C. GRCh37 (hg19) VCF-style: chr3-52400740-G-C.
Other names: p.?.
Identifiers: ClinVar variation 402599 (VCV000402599.16), dbSNP rs3752819, ClinGen allele CA2434272.